The following is an entry in ClinVar:

ClinVar aggregate classification (germline): Uncertain significance (1 of 4 stars; one submission).

Allele frequency attached by ClinVar (database versions not stated): TOPMed below 0.00001; gnomAD 0.00001.
gnomAD v4.1: 2 of 1,608,610 alleles (0.00012%); highest among the groups gnomAD compares: Non-Finnish European, 0.000085%; no homozygotes.

Submission:

Labcorp Genetics (formerly Invitae), Labcorp
Classification: Uncertain significance. Last evaluated: 2023-11-27. Review status: criteria provided, single submitter. Criteria: Invitae Variant Classification Sherloc (09022015). Collection method: clinical testing. Allele origin: germline.
Comment: This sequence change replaces serine, which is neutral and polar, with phenylalanine, which is neutral and non-polar, at codon 798 of the SETD5 protein (p.Ser798Phe). This variant is present in population databases (no rsID available, gnomAD 0.002%). This variant has not been reported in the literature in individuals affected with SETD5-related conditions. Advanced modeling of protein sequence and biophysical properties (such as structural, functional, and spatial information, amino acid conservation, physicochemical variation, residue mobility, and thermodynamic stability) performed at Invitae indicates that this missense variant is not expected to disrupt SETD5 protein function with a negative predictive value of 80%. In summary, the available evidence is currently insufficient to determine the role of this variant in disease. Therefore, it has been classified as a Variant of Uncertain Significance.

NM_001080517.3(SETD5):c.2393C>T (p.Ser798Phe)

Gene: SETD5 (SET domain containing 5; plus strand). Cytogenetic location: 3p25.3.
Variant type: single nucleotide variant.
Coding change: c.2393C>T on transcript NM_001080517.3 (MANE Select); coding-DNA position 2393, C replaced by T.
Protein change: p.Ser798Phe; replaces serine 798 with phenylalanine.
Molecular consequence: missense variant.
Genome position (GRCh38, 1-based): chr3:9,453,785, C>T. VCF-style: chr3-9453785-C-T. GRCh37 (hg19) VCF-style: chr3-9495469-C-T.
Other names: c.2099C>T, p.Ser700Phe (NM_001292043.2, NM_001349451.2); short protein forms S798F, S700F.
Identifiers: ClinVar variation 2889079 (VCV002889079.3), dbSNP rs1490676196, ClinGen allele CA351703504.